The following is an entry in ClinVar:

NC_000005.9:g.(?_78280740)_(78281071_?)del

Gene: ARSB (arylsulfatase B; minus strand). Cytogenetic location: 5q14.1.
Variant type: Deletion.
Identifiers: ClinVar variation 3246274 (VCV003246274.1).

ClinVar aggregate classification (germline): Pathogenic (1 of 4 stars; one submission).

Conditions:
Mucopolysaccharidosis type 6 (MPS6). Also called: MPS 6; Maroteaux Lamy syndrome; ARSB DEFICIENCY; ARYLSULFATASE B DEFICIENCY; N-ACETYLGALACTOSAMINE-4-SULFATASE DEFICIENCY; MPS VI. Identifiers: Orphanet 583, MedGen C0026709, MONDO:0009661, OMIM 253200.

Submission:

Labcorp Genetics (formerly Invitae), Labcorp
Classification: Pathogenic for Mucopolysaccharidosis type 6. Last evaluated: 2023-05-23. Review status: criteria provided, single submitter. Criteria: Invitae Variant Classification Sherloc (09022015). Collection method: clinical testing. Allele origin: unknown.
Comment: This variant is a gross deletion of the genomic region encompassing exon(s) 1 of the ARSB gene, which includes the initiator codon. This deletion extends beyond the assayed region for this gene and therefore may encompass additional genes. It is expected to result in an absent or disrupted protein product. Loss-of-function variants in ARSB are known to be pathogenic (PMID: 17458871, 22133300). A similar copy number variant has been observed in individual(s) with mucopolysaccharidosis type VI (Invitae). For these reasons, this variant has been classified as Pathogenic.

Literature cited by the submitters: PubMed 17458871; PubMed 22133300.